The following is an entry in ClinVar:

ClinVar aggregate classification (germline): Uncertain significance (1 of 4 stars; one submission).

gnomAD v4.1: 10 of 1,613,954 alleles (0.00062%); highest among the groups gnomAD compares: Non-Finnish European, 0.00085%; no homozygotes.

Submission:

CeGaT Center for Human Genetics Tuebingen
Classification: Uncertain significance. Last evaluated: 2026-07-01. Review status: criteria provided, single submitter. Criteria: CeGaT Center For Human Genetics Tuebingen Variant Classification Criteria Version 2. Collection method: clinical testing. Allele origin: germline. Affected: yes. Observed: 1 variant allele.
Comment: SPTAN1: PM2

NM_001130438.3(SPTAN1):c.1757A>G (p.Lys586Arg)

Gene: SPTAN1 (spectrin alpha, non-erythrocytic 1; plus strand). Cytogenetic location: 9q34.11.
Variant type: single nucleotide variant.
Coding change: c.1757A>G on transcript NM_001130438.3 (MANE Select); coding-DNA position 1757, A replaced by G.
Protein change: p.Lys586Arg; replaces lysine 586 with arginine.
Molecular consequence: missense variant.
Genome position (GRCh38, 1-based): chr9:128,582,800, A>G. VCF-style: chr9-128582800-A-G. GRCh37 (hg19) VCF-style: chr9-131345079-A-G.
Other names: c.1793A>G, p.Lys598Arg (NM_001438440.1, NM_001375312.2, NM_001375318.1); c.1757A>G, p.Lys586Arg (NM_001438441.1, NM_001438442.1, NM_001438443.1 and 10 more transcripts); short protein forms K586R, K598R.
Identifiers: ClinVar variation 5040026 (VCV005040026.1).